The following is an entry in ClinVar:

ClinVar aggregate classification (germline): Uncertain significance (1 of 4 stars; one submission).

Conditions:
Hereditary cancer-predisposing syndrome. Also called: Neoplastic Syndromes, Hereditary; Tumor predisposition; Hereditary Cancer Syndrome; Hereditary neoplastic syndrome. Identifiers: Orphanet 140162, MedGen C0027672, MeSH D009386, MONDO:0015356.

gnomAD v4.1: 1 of 1,613,636 alleles (0.000062%); highest among the groups gnomAD compares: African/African-American, 0.0013%; no homozygotes.

Submission:

Ambry Genetics
Classification: Uncertain significance for Hereditary cancer-predisposing syndrome. Last evaluated: 2025-04-12. Review status: criteria provided, single submitter. Criteria: Ambry Variant Classification Scheme 2023. Collection method: clinical testing. Allele origin: germline.
Comment: The p.P28T variant (also known as c.82C>A), located in coding exon 1 of the FLCN gene, results from a C to A substitution at nucleotide position 82. The proline at codon 28 is replaced by threonine, an amino acid with highly similar properties. This amino acid position is highly conserved in available vertebrate species. In addition, this alteration is predicted to be deleterious by in silico analysis. Since supporting evidence is limited at this time, the clinical significance of this alteration remains unclear.

NM_144997.7(FLCN):c.82C>A (p.Pro28Thr)

Gene: FLCN (folliculin; minus strand). Cytogenetic location: 17p11.2.
Variant type: single nucleotide variant.
Coding change: c.82C>A on transcript NM_144997.7 (MANE Select); coding-DNA position 82, C replaced by A.
Protein change: p.Pro28Thr; replaces proline 28 with threonine.
Molecular consequence: missense variant.
Genome position (GRCh38, 1-based): chr17:17,228,056, G>T on the plus strand (C>A on the coding strand, the complement: FLCN is on the minus strand). VCF-style: chr17-17228056-G-T. GRCh37 (hg19) VCF-style: chr17-17131370-G-T.
Other names: c.82C>A, p.Pro28Thr (NM_001353229.2, NM_001353230.2, NM_001353231.2 and 1 more transcripts); short protein forms P28T.
Identifiers: ClinVar variation 1762815 (VCV001762815.3), dbSNP rs749758787, ClinGen allele CA398535368.
Genomic context (GRCh38, chr17:17,228,056, plus strand): 5'-CTTCTTCCGCCTGCTCACCCTGGCCAGGACTGTCCTCATTCCCATCCCCTTGAGGAAGTG[G>T]GGCGTGCAGCACCTCCGTGCAGAAGAGAGTGCGGGGGCCGTGGAGCTCGCAGAAGTGGCA-3'
Protein context (NP_659434.2, residues 18-38): TLFCTEVLHA[Pro28Thr]LPQGDGNEDS